The following is an entry in ClinVar:

ClinVar aggregate classification (germline): Uncertain significance. Review status: criteria provided, multiple submitters, no conflicts (2 of 4 stars). 2 submissions from 2 submitters: Uncertain significance (2). Last evaluated 2025-09-08.

Conditions:
Neurofibromatosis, type 1 (NF1). Also called: VON RECKLINGHAUSEN DISEASE; NEUROFIBROMATOSIS, TYPE I, SOMATIC; Neurofibromatosis, type I; Peripheral type neurofibromatosis. Identifiers: Orphanet 636, MedGen C0027831, MONDO:0018975, OMIM 162200. Disease mechanism: loss of function.
Cardiovascular phenotype. Identifiers: MedGen CN230736.
Hereditary cancer-predisposing syndrome. Also called: Neoplastic Syndromes, Hereditary; Tumor predisposition; Hereditary Cancer Syndrome; Hereditary neoplastic syndrome. Identifiers: Orphanet 140162, MedGen C0027672, MeSH D009386, MONDO:0015356.

Submissions (2):

Labcorp Genetics (formerly Invitae), Labcorp
Classification: Uncertain significance for Neurofibromatosis, type 1. Last evaluated: 2025-09-08. Review status: criteria provided, single submitter. Criteria: Invitae Variant Classification Sherloc (09022015). Collection method: clinical testing. Allele origin: germline.
Comment: This sequence change replaces glycine, which is neutral and non-polar, with serine, which is neutral and polar, at codon 1869 of the NF1 protein (p.Gly1869Ser). This variant is not present in population databases (gnomAD no frequency). This variant has not been reported in the literature in individuals affected with NF1-related conditions. ClinVar contains an entry for this variant (Variation ID: 1748596). Invitae Evidence Modeling of protein sequence and biophysical properties (such as structural, functional, and spatial information, amino acid conservation, physicochemical variation, residue mobility, and thermodynamic stability) indicates that this missense variant is expected to disrupt NF1 protein function with a positive predictive value of 95%. This variant disrupts the p.Gly1869 amino acid residue in NF1. Other variant(s) that disrupt this residue have been determined to be pathogenic (internal data). This suggests that this residue is clinically significant, and that variants that disrupt this residue are likely to be disease-causing. In summary, the available evidence is currently insufficient to determine the role of this variant in disease. Therefore, it has been classified as a Variant of Uncertain Significance.

Ambry Genetics
Classification: Uncertain significance for Cardiovascular phenotype; Hereditary cancer-predisposing syndrome. Last evaluated: 2022-09-09. Review status: criteria provided, single submitter. Criteria: Ambry Variant Classification Scheme 2023. Collection method: clinical testing. Allele origin: germline.
Comment: The p.G1869S variant (also known as c.5605G>A), located in coding exon 38 of the NF1 gene, results from a G to A substitution at nucleotide position 5605. The glycine at codon 1869 is replaced by serine, an amino acid with similar properties. This amino acid position is highly conserved in available vertebrate species. In addition, this alteration is predicted to be deleterious by in silico analysis. Since supporting evidence is limited at this time, the clinical significance of this alteration remains unclear.

NM_001042492.3(NF1):c.5668G>A (p.Gly1890Ser)

Gene: NF1 (neurofibromin 1; plus strand). Cytogenetic location: 17q11.2.
Variant type: single nucleotide variant.
Coding change: c.5668G>A on transcript NM_001042492.3 (MANE Select); coding-DNA position 5668, G replaced by A.
Protein change: p.Gly1890Ser; replaces glycine 1890 with serine.
Molecular consequence: missense variant.
Genome position (GRCh38, 1-based): chr17:31,330,354, G>A. VCF-style: chr17-31330354-G-A. GRCh37 (hg19) VCF-style: chr17-29657372-G-A.
Other names: c.5605G>A, p.Gly1869Ser (NM_000267.4); short protein forms G1869S, G1890S.
Identifiers: ClinVar variation 1748596 (VCV001748596.3), dbSNP rs1597834706, ClinGen allele CA399010215.